The following is an entry in ClinVar:

NM_001972.4(ELANE):c.659G>A (p.Arg220Gln)

Gene: ELANE (elastase, neutrophil expressed; plus strand). Cytogenetic location: 19p13.3.
Variant type: single nucleotide variant.
Coding change: c.659G>A on transcript NM_001972.4 (MANE Select); coding-DNA position 659, G replaced by A.
Protein change: p.Arg220Gln; replaces arginine 220 with glutamine.
Molecular consequence: missense variant.
Genome position (GRCh38, 1-based): chr19:856,019, G>A. VCF-style: chr19-856019-G-A. GRCh37 (hg19) VCF-style: chr19-856019-G-A.
Other names: R191Q; c.659G>A, p.Arg220Gln (LRG_57t1); short protein forms R220Q.
Identifiers: ClinVar variation 16738 (VCV000016738.34), dbSNP rs137854445, ClinGen allele CA281044.

ClinVar aggregate classification (germline): Pathogenic/Likely pathogenic. Review status: criteria provided, multiple submitters, no conflicts (2 of 4 stars). 9 submissions from 9 submitters: Pathogenic (5); Likely pathogenic (2). 2 of the submissions do not count toward it. Last evaluated 2026-01-01.

Conditions:
Neutropenia, severe congenital, 1, autosomal dominant. Identifiers: MedGen C1859966, MONDO:0042490, OMIM 202700.
Cyclical neutropenia. Also called: Cyclic hematopoiesis; Cyclic Neutropenia. Identifiers: Orphanet 2686, MedGen C0221023, MONDO:0008090, OMIM 162800, HP:0040289. Disease mechanism: loss of function.
ELANE-related disorders.

Allele frequency attached by ClinVar (database versions not stated): gnomAD 0.00003.

Submissions (9):

CeGaT Center for Human Genetics Tuebingen
Classification: Likely pathogenic. Last evaluated: 2026-01-01. Review status: criteria provided, single submitter. Criteria: CeGaT Center For Human Genetics Tuebingen Variant Classification Criteria Version 2. Collection method: clinical testing. Allele origin: germline. Affected: yes. Observed: 2 variant alleles.
Comment: ELANE: PP1:Strong, PM2, PS4:Moderate

Labcorp Genetics (formerly Invitae), Labcorp
Classification: Pathogenic for Neutropenia, severe congenital, 1, autosomal dominant; Cyclical neutropenia. Last evaluated: 2025-11-28. Review status: criteria provided, single submitter. Criteria: Invitae Variant Classification Sherloc (09022015). Collection method: clinical testing. Allele origin: germline.
Comment: This sequence change replaces arginine, which is basic and polar, with glutamine, which is neutral and polar, at codon 220 of the ELANE protein (p.Arg220Gln). This variant is present in population databases (rs137854445, gnomAD no frequency). This missense change has been observed in individual(s) with cyclic neutropenia (PMID: 10581030, 16079102, 25703294). In at least one individual the variant was observed to be de novo. It has also been observed to segregate with disease in related individuals. This variant is also known as R191Q. ClinVar contains an entry for this variant (Variation ID: 16738). Invitae Evidence Modeling of protein sequence and biophysical properties (such as structural, functional, and spatial information, amino acid conservation, physicochemical variation, residue mobility, and thermodynamic stability) has been performed for this missense variant. However, the output from this modeling did not meet the statistical confidence thresholds required to predict the impact of this variant on ELANE protein function. For these reasons, this variant has been classified as Pathogenic.

Victorian Clinical Genetics Services, Murdoch Childrens Research Institute
Classification: Pathogenic for Cyclical neutropenia. Last evaluated: 2024-10-08. Review status: criteria provided, single submitter. Criteria: ACMG Guidelines, 2015. Collection method: clinical testing. Allele origin: germline. Inheritance: Autosomal dominant inheritance. Affected: yes.
Comment: Based on the classification scheme VCGS_Germline_v1.3.4, this variant is classified as Pathogenic. Following criteria are met: 0105 - The mechanism of disease for this gene is not clearly established. However, haploinsufficiency is unlikely a mechanism of disease (PMIDs: 33968054, 3124897). (I) 0107 - This gene is associated with autosomal dominant disease. (I) 0115 - Variants in this gene are known to have variable expressivity. The same variant can lead to either cyclic or severe congenital neutropenia (PMID: 20301705). (I) 0200 - Variant is predicted to result in a missense amino acid change from arginine to glutamine. (I) 0251 - This variant is heterozygous. (I) 0302 - Variant is present in gnomAD (v2) <0.001 for a dominant condition (1 heterozygote, 0 homozygotes). (SP) 0309 - Multiple alternative amino acid changes at the same position have been observed in gnomAD (v3-non v2) (highest allele count: 6 heterozygotes, 0 homozygotes). (I) 0503 - Missense variant consistently predicted to be tolerated by multiple in silico tools or not conserved in placental mammals with a minor amino acid change. (SB) 0600 - Variant is located in the annotated trypsin domain (DECIPHER). (I) 0801 - This variant has strong previous evidence of pathogenicity in unrelated individuals. This variant has been classified as pathogenic by multiple clinical diagnostic laboratories and has been reported in multiple individuals with severe congenital neutropenia or cyclic neutropenia (ClinVar, PMIDs: 10581030, 23463630, 25703294, 34000087, 34340247, 37216690). (SP) 1208 - Inheritance information for this variant is not currently available in this individual. (I) Legend: (SP) - Supporting pathogenic, (I) - Information, (SB) - Supporting benign

GeneDx
Classification: Pathogenic. Last evaluated: 2023-03-22. Review status: criteria provided, single submitter. Criteria: GeneDx Variant Classification Process June 2021. Collection method: clinical testing. Allele origin: germline. Affected: yes.
Comment: Published functional studies suggest a damaging effect on protein localization (Benson et al., 2003); In silico analysis, which includes protein predictors and evolutionary conservation, supports that this variant does not alter protein structure/function; In silico analysis suggests this variant may impact gene splicing. In the absence of RNA/functional studies, the actual effect of this sequence change is unknown.; This variant is associated with the following publications: (PMID: 34340247, 25703294, 12897784, 17761833, 23463630, 10581030, 16079102, 32135276, 35047849)

Blueprint Genetics
Classification: Pathogenic for ELANE-related disorders. Last evaluated: 2021-07-11. Review status: criteria provided, single submitter. Criteria: ACMG Guidelines, 2015. Collection method: clinical testing. Allele origin: germline. Affected: yes. Observed: 4 variant alleles.

Clinical Genetics and Genomics, Karolinska University Hospital
Classification: Pathogenic. Last evaluated: 2014-07-03. Review status: criteria provided, single submitter. Criteria: ACMG Guidelines, 2015. Collection method: clinical testing. Allele origin: germline. Affected: yes. Observed: 1 variant allele.

Juno Genomics, Hangzhou Juno Genomics, Inc
Classification: Likely pathogenic for Cyclical neutropenia; Neutropenia, severe congenital, 1, autosomal dominant. Review status: criteria provided, single submitter. Criteria: ACMG Guidelines, 2015. Collection method: clinical testing. Allele origin: germline. Affected: yes.
Comment: Absent from controls (or at extremely low frequency if recessive) in Genome Aggregation Database, Exome Sequencing Project, 1000 Genomes Project, or Exome Aggregation Consortium.;Multiple lines of computational evidence support a deleterious effect on the gene or gene product (conservation, evolutionary, splicing impact, etc).;The prevalence of the variant in affected individuals is significantly increased compared to the prevalence in controls.;Patient's phenotype or family history is highly specific for a disease with a single genetic etiology.

Laboratory of Immunopathology and Genetics, Medical Laboratory of Pediatric Oncology and Hematology, Central Clinical Hospital of the Medical University of Lodz
Classification: Pathogenic for Neutropenia, severe congenital, 1, autosomal dominant. Last evaluated: 2024-12-01. Review status: no assertion criteria provided. Collection method: clinical testing. Allele origin: germline. Affected: yes. Observed: 1 variant allele. Not counted in ClinVar's aggregate classification.

OMIM
Classification: Pathogenic for CYCLIC NEUTROPENIA. Last evaluated: 1999-12-01. Review status: no assertion criteria provided. Collection method: literature only. Allele origin: germline. Not counted in ClinVar's aggregate classification.

Literature cited by the submitters: PubMed 10581030 (cited by 4 submitters); PubMed 16079102 (cited by Labcorp Genetics (formerly Invitae), Labcorp); PubMed 25703294 (cited by Labcorp Genetics (formerly Invitae), Labcorp and Victorian Clinical Genetics Services, Murdoch Childrens Research Institute); PubMed 20301705 (cited by Victorian Clinical Genetics Services, Murdoch Childrens Research Institute); PubMed 23463630 (cited by Victorian Clinical Genetics Services, Murdoch Childrens Research Institute); PubMed 31248972 (cited by Victorian Clinical Genetics Services, Murdoch Childrens Research Institute); PubMed 33968054 (cited by Victorian Clinical Genetics Services, Murdoch Childrens Research Institute); PubMed 34000087 (cited by Victorian Clinical Genetics Services, Murdoch Childrens Research Institute); PubMed 34340247 (cited by Victorian Clinical Genetics Services, Murdoch Childrens Research Institute); PubMed 37216690 (cited by Victorian Clinical Genetics Services, Murdoch Childrens Research Institute).